The following is an entry in ClinVar:

ClinVar aggregate classification (germline): Conflicting classifications of pathogenicity. Review status: criteria provided, conflicting classifications (1 of 4 stars). 4 submissions from 4 submitters: Uncertain significance (3); Benign (1). Last evaluated 2026-01-19.

Conditions:
BAP1-related tumor predisposition syndrome (TPDS1). Also called: Tumor susceptibility linked to germline BAP1 mutations; BAP1 tumor predisposition syndrome; COMMON Syndrome; TUMOR PREDISPOSITION SYNDROME 1. Identifiers: Orphanet 289539, MedGen C3280492, MONDO:0013692, OMIM 614327.
Hereditary cancer-predisposing syndrome. Also called: Hereditary Cancer Syndrome; Neoplastic Syndromes, Hereditary; Tumor predisposition; Hereditary neoplastic syndrome. Identifiers: Orphanet 140162, MedGen C0027672, MeSH D009386, MONDO:0015356.

Allele frequency attached by ClinVar (database versions not stated): ExAC 0.00001; gnomAD exomes 0.00001; gnomAD 0.00002; TOPMed 0.00002.
gnomAD v4.1: 13 of 1,613,894 alleles (0.00081%); highest among the groups gnomAD compares: African/African-American, 0.0027%; no homozygotes.

Submissions (4):

Labcorp Genetics (formerly Invitae), Labcorp
Classification: Uncertain significance for BAP1-related tumor predisposition syndrome. Last evaluated: 2026-01-19. Review status: criteria provided, single submitter. Criteria: Invitae Variant Classification Sherloc (09022015). Collection method: clinical testing. Allele origin: germline.
Comment: This sequence change replaces arginine, which is basic and polar, with histidine, which is basic and polar, at codon 551 of the BAP1 protein (p.Arg551His). This variant is present in population databases (rs759448397, gnomAD 0.004%). This variant has not been reported in the literature in individuals affected with BAP1-related conditions. ClinVar contains an entry for this variant (Variation ID: 489622). Invitae Evidence Modeling of protein sequence and biophysical properties (such as structural, functional, and spatial information, amino acid conservation, physicochemical variation, residue mobility, and thermodynamic stability) indicates that this missense variant is not expected to disrupt BAP1 protein function with a negative predictive value of 80%. In summary, the available evidence is currently insufficient to determine the role of this variant in disease. Therefore, it has been classified as a Variant of Uncertain Significance.

Ambry Genetics
Classification: Benign for Hereditary cancer-predisposing syndrome. Last evaluated: 2025-03-30. Review status: criteria provided, single submitter. Criteria: Ambry Variant Classification Scheme 2023. Collection method: clinical testing. Allele origin: germline.

Baylor Genetics
Classification: Uncertain significance for BAP1-related tumor predisposition syndrome. Last evaluated: 2023-11-20. Review status: criteria provided, single submitter. Criteria: ACMG Guidelines, 2015. Collection method: clinical testing. Allele origin: unknown.

Color Diagnostics, LLC DBA Color Health
Classification: Uncertain significance for Hereditary cancer-predisposing syndrome. Last evaluated: 2023-03-07. Review status: criteria provided, single submitter. Criteria: ACMG Guidelines, 2015. Collection method: clinical testing. Allele origin: germline.
Comment: This missense variant replaces arginine with histidine at codon 551 of the BAP1 protein. Computational prediction suggests that this variant may not impact protein structure and function (internally defined REVEL score threshold <= 0.5, PMID: 27666373). To our knowledge, functional studies have not been reported for this variant. This variant has not been reported in individuals affected with hereditary cancer in the literature. This variant has been identified in 3/282464 chromosomes in the general population by the Genome Aggregation Database (gnomAD). The available evidence is insufficient to determine the role of this variant in disease conclusively. Therefore, this variant is classified as a Variant of Uncertain Significance.

Literature cited by the submitters: PubMed 38969833 (cited by Ambry Genetics).

NM_004656.4(BAP1):c.1652G>A (p.Arg551His)

Gene: BAP1 (BRCA1 associated deubiquitinase 1; minus strand). Cytogenetic location: 3p21.1.
Variant type: single nucleotide variant.
Coding change: c.1652G>A on transcript NM_004656.4 (MANE Select); coding-DNA position 1652, G replaced by A.
Protein change: p.Arg551His; replaces arginine 551 with histidine.
Molecular consequence: missense variant.
Genome position (GRCh38, 1-based): chr3:52,403,493, C>T on the plus strand (G>A on the coding strand, the complement: BAP1 is on the minus strand). VCF-style: chr3-52403493-C-T. GRCh37 (hg19) VCF-style: chr3-52437509-C-T.
Other names: c.1652G>A (LRG_529t1); short protein forms R551H.
Identifiers: ClinVar variation 489622 (VCV000489622.16), dbSNP rs759448397, ClinGen allele CA2436762.